The following is an entry in ClinVar:

NM_000535.7(PMS2):c.385G>T (p.Ala129Ser)

Gene: PMS2 (PMS1 homolog 2, mismatch repair system component; minus strand). Cytogenetic location: 7p22.1.
Variant type: single nucleotide variant.
Coding change: c.385G>T on transcript NM_000535.7 (MANE Select); coding-DNA position 385, G replaced by T.
Protein change: p.Ala129Ser; replaces alanine 129 with serine.
Molecular consequence: missense variant. On other transcripts: 5 prime UTR variant (29), non-coding transcript variant (1), intron variant (1).
Genome position (GRCh38, 1-based): chr7:6,002,605, C>A on the plus strand (G>T on the coding strand, the complement: PMS2 is on the minus strand). VCF-style: chr7-6002605-C-A. GRCh37 (hg19) VCF-style: chr7-6042236-C-A.
Other names: c.-21G>T (NM_001322003.2, NM_001322004.2, NM_001322005.2 and 24 more transcripts); c.385G>T, p.Ala129Ser (NM_001322006.2, NM_001322014.2, NM_001406869.1 and 8 more transcripts); c.67G>T, p.Ala23Ser (NM_001322007.2, NM_001322008.2, NM_001406876.1 and 4 more transcripts); c.-500G>T (NM_001322011.2, NM_001322012.2); c.76G>T, p.Ala26Ser (NM_001322015.2, NM_001406875.1, NM_001406877.1 and 6 more transcripts); c.571G>T, p.Ala191Ser (NM_001406866.1); c.409G>T, p.Ala137Ser (NM_001406868.1); c.250+1367G>T (NM_001406885.1); short protein forms A26S, A129S, A137S, A23S, A191S.
Identifiers: ClinVar variation 4711207 (VCV004711207.1).

ClinVar aggregate classification (germline): Uncertain significance (1 of 4 stars; one submission).

Conditions:
Hereditary nonpolyposis colorectal neoplasms. Identifiers: MedGen C0009405, MeSH D003123.

Submission:

Labcorp Genetics (formerly Invitae), Labcorp
Classification: Uncertain significance for Hereditary nonpolyposis colorectal neoplasms. Last evaluated: 2025-12-15. Review status: criteria provided, single submitter. Criteria: Invitae Variant Classification Sherloc (09022015). Collection method: clinical testing. Allele origin: germline.
Comment: This sequence change replaces alanine, which is neutral and non-polar, with serine, which is neutral and polar, at codon 129 of the PMS2 protein (p.Ala129Ser). This variant is not present in population databases (gnomAD no frequency). This variant has not been reported in the literature in individuals affected with PMS2-related conditions. Invitae Evidence Modeling incorporating data from in vitro experimental studies (internal data) indicates that this missense variant is not expected to disrupt PMS2 function with a negative predictive value of 95%. In summary, the available evidence is currently insufficient to determine the role of this variant in disease. Therefore, it has been classified as a Variant of Uncertain Significance.